The following is an entry in ClinVar:

ClinVar aggregate classification (germline): Likely benign (1 of 4 stars; one submission).

Submission:

CeGaT Center for Human Genetics Tuebingen
Classification: Likely benign. Last evaluated: 2025-09-01. Review status: criteria provided, single submitter. Criteria: CeGaT Center For Human Genetics Tuebingen Variant Classification Criteria Version 2. Collection method: clinical testing. Allele origin: germline. Affected: yes. Observed: 1 variant allele.
Comment: CPLANE1: PM2:Supporting, BP4, BP7

NM_001384732.1(CPLANE1):c.624G>A (p.Leu208=)

Gene: CPLANE1 (ciliogenesis and planar polarity effector complex subunit 1; minus strand). Cytogenetic location: 5p13.2.
Variant type: single nucleotide variant.
Coding change: c.624G>A on transcript NM_001384732.1 (MANE Select); coding-DNA position 624, G replaced by A.
Protein change: p.Leu208=; no amino-acid change (leucine 208 retained).
Molecular consequence: synonymous variant.
Genome position (GRCh38, 1-based): chr5:37,243,066, C>T on the plus strand (G>A on the coding strand, the complement: CPLANE1 is on the minus strand). VCF-style: chr5-37243066-C-T. GRCh37 (hg19) VCF-style: chr5-37243168-C-T.
Other names: c.624G>A, p.Leu208= (NM_023073.4).
Identifiers: ClinVar variation 4281000 (VCV004281000.7).